The following is an entry in ClinVar:

ClinVar aggregate classification (germline): Uncertain significance (1 of 4 stars; one submission).

Conditions:
Emery-Dreifuss muscular dystrophy 5, autosomal dominant (EDMD5). Also called: EMERY-DREIFUSS MUSCULAR DYSTROPHY 5. Identifiers: Orphanet 261, MedGen C2751805, MONDO:0013072, OMIM 612999.

Submission:

Labcorp Genetics (formerly Invitae), Labcorp
Classification: Uncertain significance for Emery-Dreifuss muscular dystrophy 5, autosomal dominant. Last evaluated: 2025-09-07. Review status: criteria provided, single submitter. Criteria: Invitae Variant Classification Sherloc (09022015). Collection method: clinical testing. Allele origin: germline.
Comment: This sequence change replaces glutamine, which is neutral and polar, with arginine, which is basic and polar, at codon 559 of the SYNE2 protein (p.Gln559Arg). This variant is not present in population databases (gnomAD no frequency). This variant has not been reported in the literature in individuals affected with SYNE2-related conditions. ClinVar contains an entry for this variant (Variation ID: 1062468). An algorithm developed to predict the effect of missense changes on protein structure and function (PolyPhen-2) suggests that this variant is likely to be tolerated. In summary, the available evidence is currently insufficient to determine the role of this variant in disease. Therefore, it has been classified as a Variant of Uncertain Significance.

NM_182914.3(SYNE2):c.1676A>G (p.Gln559Arg)

Gene: SYNE2 (spectrin repeat containing nuclear envelope protein 2; plus strand). Cytogenetic location: 14q23.2.
Variant type: single nucleotide variant.
Coding change: c.1676A>G on transcript NM_182914.3 (MANE Select); coding-DNA position 1676, A replaced by G.
Protein change: p.Gln559Arg; replaces glutamine 559 with arginine.
Molecular consequence: missense variant.
Genome position (GRCh38, 1-based): chr14:63,981,013, A>G. VCF-style: chr14-63981013-A-G. GRCh37 (hg19) VCF-style: chr14-64447731-A-G.
Other names: c.1676A>G, p.Gln559Arg (NM_015180.6); short protein forms Q559R.
Identifiers: ClinVar variation 1062468 (VCV001062468.9), dbSNP rs764895998, ClinGen allele CA389959824.
Genomic context (GRCh38, chr14:63,981,013, plus strand): 5'-TAAGATTACTTTTTTGTTTTGTTAATATTGTAGCTGGAGAATGTCAGAATATTAATAAAC[A>G]GTATATGATGGTGAAATCTGATGTTTGTATGTATAGAAAAAATATATATAATGTGAAGTC-3'
Protein context (NP_878918.2, residues 549-569): LAGECQNINK[Gln559Arg]YMMVKSDVCM